The following is an entry in ClinVar:

NM_000368.5(TSC1):c.3045C>T (p.Asn1015=)

Gene: TSC1 (TSC complex subunit 1; minus strand). Cytogenetic location: 9q34.13.
Variant type: single nucleotide variant.
Coding change: c.3045C>T on transcript NM_000368.5 (MANE Select); coding-DNA position 3045, C replaced by T.
Protein change: p.Asn1015=; no amino-acid change (asparagine 1015 retained).
Molecular consequence: synonymous variant.
Genome position (GRCh38, 1-based): chr9:132,896,685, G>A on the plus strand (C>T on the coding strand, the complement: TSC1 is on the minus strand). VCF-style: chr9-132896685-G-A. GRCh37 (hg19) VCF-style: chr9-135772072-G-A.
Other names: c.3042C>T, p.Asn1014= (NM_001162426.2); c.2892C>T, p.Asn964= (NM_001162427.2); c.2682C>T, p.Asn894= (NM_001362177.2).
Identifiers: ClinVar variation 378768 (VCV000378768.28), dbSNP rs759047948, ClinGen allele CA035716.

ClinVar aggregate classification (germline): Benign/Likely benign. Review status: criteria provided, multiple submitters, no conflicts (2 of 4 stars). 11 submissions from 11 submitters: Benign (5); Likely benign (5). 1 of the submissions does not count toward it. Last evaluated 2026-02-02.

Conditions:
Hereditary cancer-predisposing syndrome. Also called: Tumor predisposition; Neoplastic Syndromes, Hereditary; Hereditary neoplastic syndrome; Hereditary Cancer Syndrome. Identifiers: Orphanet 140162, MedGen C0027672, MeSH D009386, MONDO:0015356.
Tuberous sclerosis syndrome (TSC). Also called: Tuberous sclerosis; Tuberous Sclerosis Complex. Identifiers: Orphanet 805, MedGen C0041341, MONDO:0001734.
TSC1-related disorder. Also called: TSC1-related condition.
Tuberous sclerosis 1 (TSC1). Identifiers: Orphanet 805, MedGen C1854465, MONDO:0008612, OMIM 191100.

Allele frequency attached by ClinVar (database versions not stated): ExAC 0.00002; gnomAD 0.00004 and 0.00005; gnomAD exomes 0.00005; TOPMed 0.00005.
gnomAD v4.1: 57 of 1,613,916 alleles (0.0035%); highest among the groups gnomAD compares: Middle Eastern, 0.016%; no homozygotes.

Submissions (11):

Labcorp Genetics (formerly Invitae), Labcorp
Classification: Benign for Tuberous sclerosis 1. Last evaluated: 2026-02-02. Review status: criteria provided, single submitter. Criteria: Invitae Variant Classification Sherloc (09022015). Collection method: clinical testing. Allele origin: germline.

Myriad Genetics, Inc.
Classification: Benign for Tuberous sclerosis 1. Last evaluated: 2025-04-29. Review status: criteria provided, single submitter. Criteria: Myriad Autosomal Dominant, Autosomal Recessive and X-Linked Classification Criteria (2023). Collection method: clinical testing. Allele origin: unknown.
Comment: This variant is considered benign. This variant is a silent/synonymous amino acid change and it is not expected to impact splicing.

KCCC/NGS Laboratory, Kuwait Cancer Control Center
Classification: Benign for Tuberous sclerosis 1. Last evaluated: 2025-02-01. Review status: criteria provided, single submitter. Criteria: ACMG Guidelines, 2015. Collection method: clinical testing. Allele origin: germline. Affected: no.

Blueprint Genetics
Classification: Likely benign. Last evaluated: 2024-06-24. Review status: criteria provided, single submitter. Criteria: ACMG Guidelines, 2015. Collection method: clinical testing. Allele origin: germline.

Color Diagnostics, LLC DBA Color Health
Classification: Likely benign for Tuberous sclerosis syndrome. Last evaluated: 2022-11-06. Review status: criteria provided, single submitter. Criteria: ACMG Guidelines, 2015. Collection method: clinical testing. Allele origin: germline.

Genome-Nilou Lab
Classification: Benign for Tuberous sclerosis 1. Last evaluated: 2021-11-07. Review status: criteria provided, single submitter. Criteria: ACMG Guidelines, 2015. Collection method: clinical testing. Allele origin: germline. Affected: no.

Sema4
Classification: Benign for Hereditary cancer-predisposing syndrome. Last evaluated: 2021-04-09. Review status: criteria provided, single submitter. Criteria: Sema4 Curation Guidelines. Collection method: curation. Allele origin: germline.

GeneDx
Classification: Likely benign. Last evaluated: 2019-06-03. Review status: criteria provided, single submitter. Criteria: GeneDx Variant Classification Process June 2021. Collection method: clinical testing. Allele origin: germline. Affected: yes.

Laboratory for Molecular Medicine, Mass General Brigham Personalized Medicine
Classification: Likely benign. Last evaluated: 2016-10-13. Review status: criteria provided, single submitter. Criteria: LMM Criteria. Collection method: clinical testing. Allele origin: germline. Observed: 1 variant allele.
Comment: p.Asn1015Asn in exon 23 of TSC1: This variant is not expected to have clinical s ignificance because it does not alter an amino acid residue and is not located w ithin the splice consensus sequence. It has been identified in 1/6614 Finnish ch romosomes by the Exome Aggregation Consortium (ExAC. org; dbSNP rs759047948).

Ambry Genetics
Classification: Likely benign for Hereditary cancer-predisposing syndrome. Last evaluated: 2015-11-09. Review status: criteria provided, single submitter. Criteria: Ambry Variant Classification Scheme 2023. Collection method: clinical testing. Allele origin: germline.

PreventionGenetics, part of Exact Sciences
Classification: Likely benign for TSC1-related condition. Last evaluated: 2024-02-02. Review status: no assertion criteria provided. Collection method: clinical testing. Allele origin: germline. Not counted in ClinVar's aggregate classification.
Comment: This variant is classified as likely benign based on ACMG/AMP sequence variant interpretation guidelines (Richards et al. 2015 PMID: 25741868, with internal and published modifications).